The following is an entry in ClinVar:

ClinVar aggregate classification (germline): Uncertain significance. Review status: criteria provided, multiple submitters, no conflicts (2 of 4 stars). 2 submissions from 2 submitters: Uncertain significance (2). Last evaluated 2023-02-10.

Conditions:
Familial cancer of breast. Also called: BREAST CANCER, FAMILIAL; Hereditary breast cancer; hereditary breast carcinoma. Identifiers: Orphanet 227535, MedGen C0346153, MONDO:0016419, OMIM 114480. Disease mechanism: loss of function.
Hereditary cancer-predisposing syndrome. Also called: Tumor predisposition; Hereditary Cancer Syndrome; Neoplastic Syndromes, Hereditary; Hereditary neoplastic syndrome. Identifiers: Orphanet 140162, MedGen C0027672, MeSH D009386, MONDO:0015356.

Allele frequency attached by ClinVar (database versions not stated): gnomAD exomes below 0.00001.
gnomAD v4.1: 2 of 1,613,180 alleles (0.00012%); highest among the groups gnomAD compares: Non-Finnish European, 0.00017%; no homozygotes.

Submissions (2):

Ambry Genetics
Classification: Uncertain significance for Hereditary cancer-predisposing syndrome. Last evaluated: 2023-02-10. Review status: criteria provided, single submitter. Criteria: Ambry Variant Classification Scheme 2023. Collection method: clinical testing. Allele origin: germline.
Comment: The p.S293N variant (also known as c.878G>A), located in coding exon 4 of the BARD1 gene, results from a G to A substitution at nucleotide position 878. The serine at codon 293 is replaced by asparagine, an amino acid with highly similar properties. This amino acid position is poorly conserved in available vertebrate species. In addition, this alteration is predicted to be tolerated by in silico analysis. Since supporting evidence is limited at this time, the clinical significance of this alteration remains unclear.

Labcorp Genetics (formerly Invitae), Labcorp
Classification: Uncertain significance for Familial cancer of breast. Last evaluated: 2020-04-17. Review status: criteria provided, single submitter. Criteria: Invitae Variant Classification Sherloc (09022015). Collection method: clinical testing. Allele origin: germline.
Comment: Algorithms developed to predict the effect of missense changes on protein structure and function output the following: SIFT: "Tolerated"; PolyPhen-2: "Benign"; Align-GVGD: "Class C0". The asparagine amino acid residue is found in multiple mammalian species, suggesting that this missense change does not adversely affect protein function. These predictions have not been confirmed by published functional studies and their clinical significance is uncertain. In summary, the available evidence is currently insufficient to determine the role of this variant in disease. Therefore, it has been classified as a Variant of Uncertain Significance. This variant has not been reported in the literature in individuals with BARD1-related conditions. This variant is not present in population databases (ExAC no frequency). This sequence change replaces serine with asparagine at codon 293 of the BARD1 protein (p.Ser293Asn). The serine residue is highly conserved and there is a small physicochemical difference between serine and asparagine.

NM_000465.4(BARD1):c.878G>A (p.Ser293Asn)

Gene: BARD1 (BRCA1 associated RING domain 1; minus strand). Cytogenetic location: 2q35.
Variant type: single nucleotide variant.
Coding change: c.878G>A on transcript NM_000465.4 (MANE Select); coding-DNA position 878, G replaced by A.
Protein change: p.Ser293Asn; replaces serine 293 with asparagine.
Molecular consequence: missense variant. On other transcripts: non-coding transcript variant (2), intron variant (3).
Genome position (GRCh38, 1-based): chr2:214,780,996, C>T on the plus strand (G>A on the coding strand, the complement: BARD1 is on the minus strand). VCF-style: chr2-214780996-C-T. GRCh37 (hg19) VCF-style: chr2-215645720-C-T.
Other names: c.821G>A, p.Ser274Asn (NM_001282543.2); c.158+28416G>A (NM_001282548.2); c.215+16065G>A (NM_001282545.2); c.364+11301G>A (NM_001282549.2); short protein forms S293N, S274N.
Identifiers: ClinVar variation 822742 (VCV000822742.14), dbSNP rs1574818784, ClinGen allele CA350455168.